The following is an entry in ClinVar:

NM_017649.5(CNNM2):c.2299C>T (p.Arg767Trp)

Gene: CNNM2 (cyclin and CBS domain divalent metal cation transport mediator 2; plus strand). Cytogenetic location: 10q24.32.
Variant type: single nucleotide variant.
Coding change: c.2299C>T on transcript NM_017649.5 (MANE Select); coding-DNA position 2299, C replaced by T.
Protein change: p.Arg767Trp; replaces arginine 767 with tryptophan.
Molecular consequence: missense variant.
Genome position (GRCh38, 1-based): chr10:103,076,151, C>T. VCF-style: chr10-103076151-C-T. GRCh37 (hg19) VCF-style: chr10-104835908-C-T.
Other names: c.2233C>T, p.Arg745Trp (NM_199076.3); c.2299C>T (NM_017649.3); short protein forms R745W, R767W.
Identifiers: ClinVar variation 2691555 (VCV002691555.3), dbSNP rs770585350, ClinGen allele CA5670592.

ClinVar aggregate classification (germline): Uncertain significance. Review status: criteria provided, multiple submitters, no conflicts (2 of 4 stars). 3 submissions from 3 submitters: Uncertain significance (3). Last evaluated 2024-07-10.

Conditions:
Hypomagnesemia, seizures, and impaired intellectual development 1. Also called: Hypomagnesemia, seizures, and intellectual disability 1. Identifiers: Orphanet 34527, MedGen C4225333, MONDO:0020787, OMIM 616418.
Renal hypomagnesemia 6. Identifiers: Orphanet 34527, MedGen C3151295, MONDO:0013480, OMIM 613882.
Inborn genetic diseases. Identifiers: MedGen C0950123, MeSH D030342.

Allele frequency attached by ClinVar (database versions not stated): gnomAD exomes 0.00001; TOPMed 0.00001; ExAC 0.00002.
gnomAD v4.1: 14 of 1,609,206 alleles (0.00087%); highest among the groups gnomAD compares: East Asian, 0.0022%; no homozygotes.

Submissions (3):

Ambry Genetics
Classification: Uncertain significance for Inborn genetic diseases. Last evaluated: 2024-07-10. Review status: criteria provided, single submitter. Criteria: Ambry Variant Classification Scheme 2023. Collection method: clinical testing. Allele origin: germline.

Fulgent Genetics
Classification: Uncertain significance for Renal hypomagnesemia 6; Hypomagnesemia, seizures, and impaired intellectual development 1. Last evaluated: 2024-03-29. Review status: criteria provided, single submitter. Criteria: ACMG Guidelines, 2015. Collection method: clinical testing. Allele origin: germline.

Women's Health and Genetics/Laboratory Corporation of America, LabCorp
Classification: Uncertain significance. Last evaluated: 2023-12-08. Review status: criteria provided, single submitter. Criteria: LabCorp Variant Classification Summary - May 2015. Collection method: clinical testing. Allele origin: germline.
Comment: Variant summary: CNNM2 c.2299C>T (p.Arg767Trp) results in a non-conservative amino acid change in the encoded protein sequence. Three of five in-silico tools predict a damaging effect of the variant on protein function. The variant allele was found at a frequency of 9.6e-06 in 1456864 control chromosomes (gnomAD). To our knowledge, no occurrence of c.2299C>T in individuals affected with CNNM2-Related Disorders and no experimental evidence demonstrating its impact on protein function have been reported. No submitters have cited clinical-significance assessments for this variant to ClinVar after 2014. Based on the evidence outlined above, the variant was classified as uncertain significance.